The following is an entry in ClinVar:

ClinVar aggregate classification (germline): Likely benign (1 of 4 stars; one submission).

Submission:

CeGaT Center for Human Genetics Tuebingen
Classification: Likely benign. Last evaluated: 2025-05-01. Review status: criteria provided, single submitter. Criteria: CeGaT Center For Human Genetics Tuebingen Variant Classification Criteria Version 2. Collection method: clinical testing. Allele origin: germline. Affected: yes. Observed: 1 variant allele.
Comment: FLG: BP4, BP7

NM_002016.2(FLG):c.8568G>A (p.Ser2856=)

Genes: CCDST (cervical cancer associated DHX9 suppressive transcript; plus strand), FLG (filaggrin; minus strand). Cytogenetic location: 1q21.3.
Variant type: single nucleotide variant.
Coding change: c.8568G>A on transcript NM_002016.2 (MANE Select); coding-DNA position 8568, G replaced by A.
Protein change: p.Ser2856=; no amino-acid change (serine 2856 retained).
Molecular consequence: synonymous variant.
Genome position (GRCh38, 1-based): chr1:152,306,318, C>T on the plus strand (G>A on the coding strand, the complement: FLG is on the minus strand). VCF-style: chr1-152306318-C-T. GRCh37 (hg19) VCF-style: chr1-152278794-C-T.
Identifiers: ClinVar variation 3904940 (VCV003904940.10).